The following is an entry in ClinVar:

NM_001105206.3(LAMA4):c.475G>A (p.Glu159Lys)

Gene: LAMA4 (laminin subunit alpha 4; minus strand). Cytogenetic location: 6q21.
Variant type: single nucleotide variant.
Coding change: c.475G>A on transcript NM_001105206.3 (MANE Select); coding-DNA position 475, G replaced by A.
Protein change: p.Glu159Lys; replaces glutamic acid 159 with lysine.
Molecular consequence: missense variant.
Genome position (GRCh38, 1-based): chr6:112,201,636, C>T on the plus strand (G>A on the coding strand, the complement: LAMA4 is on the minus strand). VCF-style: chr6-112201636-C-T. GRCh37 (hg19) VCF-style: chr6-112522837-C-T.
Other names: c.475G>A (NM_002290.4); c.475G>A, p.Glu159Lys (NM_001105207.3, NM_002290.5); short protein forms E159K.
Identifiers: ClinVar variation 1203183 (VCV001203183.14), dbSNP rs540626879, ClinGen allele CA3966149.
Genomic context (GRCh38, chr6:112,201,636, plus strand): 5'-CACACAGAAAATAGAGAATTTTATTGGCTTACCTTTCACAGTTAGGTCCAGCATAATTTT[C>T]GTTACAAATGCACCGAACAGCTCCATTTTTCCTATAGCAGGATTCTGCAAAACTAAAATT-3'
Protein context (NP_001098676.2, residues 149-169): KNGAVRCICN[Glu159Lys]NYAGPNCERC

ClinVar aggregate classification (germline): Uncertain significance. Review status: criteria provided, multiple submitters, no conflicts (2 of 4 stars). 5 submissions from 5 submitters: Uncertain significance (5). Last evaluated 2026-09-10.

Conditions:
LAMA4-related disorder. Also called: LAMA4-related condition.
Cardiovascular phenotype. Identifiers: MedGen CN230736.
Dilated cardiomyopathy 1JJ (CMD1JJ). Identifiers: Orphanet 154, MedGen C3808935, MONDO:0014095, OMIM 615235.

Allele frequency attached by ClinVar (database versions not stated): ExAC 0.00001; gnomAD exomes 0.00001 and 0.00002; TOPMed 0.00003.
gnomAD v4.1: 10 of 1,613,742 alleles (0.00062%); highest among the groups gnomAD compares: Admixed American, 0.0033%; no homozygotes.

Submissions (5):

PreventionGenetics, part of Exact Sciences
Classification: Uncertain significance for LAMA4-related condition. Last evaluated: 2026-09-10. Review status: criteria provided, single submitter. Criteria: ACMG Guidelines, 2015. Collection method: clinical testing. Allele origin: germline.
Comment: The LAMA4 c.475G>A variant is predicted to result in the amino acid substitution p.Glu159Lys. To our knowledge, this variant has not been reported in the literature. This variant is reported in 0.0033% of alleles in individuals of South Asian descent in gnomAD. At this time, the clinical significance of this variant is uncertain due to the absence of conclusive functional and genetic evidence.

Ambry Genetics
Classification: Uncertain significance for Cardiovascular phenotype. Last evaluated: 2024-09-11. Review status: criteria provided, single submitter. Criteria: Ambry Variant Classification Scheme 2023. Collection method: clinical testing. Allele origin: germline.
Comment: The p.E159K variant (also known as c.475G>A), located in coding exon 4 of the LAMA4 gene, results from a G to A substitution at nucleotide position 475. The glutamic acid at codon 159 is replaced by lysine, an amino acid with similar properties. This amino acid position is conserved. In addition, this alteration is predicted to be deleterious by in silico analysis. Based on the available evidence, the clinical significance of this variant remains unclear.

Labcorp Genetics (formerly Invitae), Labcorp
Classification: Uncertain significance for Dilated cardiomyopathy 1JJ. Last evaluated: 2023-07-03. Review status: criteria provided, single submitter. Criteria: Invitae Variant Classification Sherloc (09022015). Collection method: clinical testing. Allele origin: germline.
Comment: An algorithm developed to predict the effect of missense changes on protein structure and function (PolyPhen-2) suggests that this variant is likely to be disruptive. In summary, the available evidence is currently insufficient to determine the role of this variant in disease. Therefore, it has been classified as a Variant of Uncertain Significance. ClinVar contains an entry for this variant (Variation ID: 1203183). This variant has not been reported in the literature in individuals affected with LAMA4-related conditions. This variant is present in population databases (rs540626879, gnomAD 0.003%). This sequence change replaces glutamic acid, which is acidic and polar, with lysine, which is basic and polar, at codon 159 of the LAMA4 protein (p.Glu159Lys).

Fulgent Genetics
Classification: Uncertain significance for Dilated cardiomyopathy 1JJ. Last evaluated: 2021-07-26. Review status: criteria provided, single submitter. Criteria: ACMG Guidelines, 2015. Collection method: clinical testing. Allele origin: unknown.

GeneDx
Classification: Uncertain significance. Last evaluated: 2019-12-10. Review status: criteria provided, single submitter. Criteria: GeneDx Variant Classification Process June 2021. Collection method: clinical testing. Allele origin: germline. Affected: yes.
Comment: Has not been previously published as pathogenic or benign to our knowledge; Not observed at a significant frequency in large population cohorts (Lek et al., 2016); In silico analysis, which includes protein predictors and evolutionary conservation, supports that this variant does not alter protein structure/function